The following is an entry in ClinVar:

ClinVar aggregate classification (germline): Pathogenic (1 of 4 stars; one submission).

Conditions:
Ehlers-Danlos syndrome, kyphoscoliotic type 1 (EDSKSCL1). Also called: EHLERS-DANLOS SYNDROME, TYPE VIA; PLOD1-Related Kyphoscoliotic Ehlers-Danlos Syndrome; Ehlers-Danlos syndrome, hydroxylysine-deficient; EHLERS-DANLOS SYNDROME, OCULAR-SCOLIOTIC TYPE. Identifiers: Orphanet 1900, MedGen C0268342, MONDO:0016002, OMIM 225400. Disease mechanism: loss of function.

Submission:

Women's Health and Genetics/Laboratory Corporation of America, LabCorp
Classification: Pathogenic for Ehlers-Danlos syndrome, kyphoscoliotic type 1. Last evaluated: 2025-05-27. Review status: criteria provided, single submitter. Criteria: LabCorp Variant Classification Summary - May 2015. Collection method: clinical testing. Allele origin: germline.
Comment: Variant summary: The variant involves the duplication of exons 10-16 in the PLOD1 gene. A presumed nomenclature of c.(975+1_976-1)_(1755+1_1756-1)dup has been designated for the purposes of this classification. It is assumed to be a tandem duplication in direct orientation (PMIDs: 25640679, 30054569). This Copy Number Variant (CNV) is predicted to result in an in-frame duplication within this gene. The variant allele was found at a frequency of 4.1e-05 in 120634 control chromosomes in the gnomAD database (Structural Variants v4.1 dataset). Duplication of exons 10-16 in the PLOD1 gene has been observed in several homozygous and compound heterozygous individuals affected with Ehlers-Danlos syndrome, kyphoscoliotic type 1 (e.g. Pousi_1994, Heikkinen_1997, Atik_2024). These data indicate that the variant is very likely to be associated with disease. These publications also reported experimental evidence evaluating an impact on protein function, demonstrating lysyl hydroxylase activities ~5% to 20% in patient derived compared to control cells (e.g. Heikkinen_1997). ClinVar contains an entry for this variant (Variation ID: 1413244). Based on the evidence outlined above, the variant was classified as pathogenic.

Literature cited by the submitters: PubMed 39350166; PubMed 8981946; PubMed 7977351.

NC_000001.10:g.(12018705_12020702)_(12027149_12030726)dup

Gene: PLOD1 (procollagen-lysine,2-oxoglutarate 5-dioxygenase 1; plus strand). Cytogenetic location: 1p36.22.
Variant type: Duplication.
Identifiers: ClinVar variation 3902652 (VCV003902652.1).